The following is an entry in ClinVar:

NM_001365951.3(KIF1B):c.4996_4997del (p.Gln1666fs)

Gene: KIF1B (kinesin family member 1B; plus strand). Cytogenetic location: 1p36.22.
Variant type: Deletion.
Coding change: c.4996_4997del on transcript NM_001365951.3 (MANE Select); coding-DNA positions 4996 to 4997, 2 bases deleted (CA; older notation c.4996_4997delCA).
Protein change: p.Gln1666fs; shifts the reading frame from glutamine 1666.
Molecular consequence: frameshift variant.
Genome position (GRCh38, 1-based): chr1:10,374,365-10,374,366, CA deleted; deleting any 2 consecutive bases within chr1:10,374,364-10,374,366 gives the same sequence; the c. name uses the placement nearest the transcript's 3' end. VCF-style (leftmost placement, unchanged base first): chr1-10374363-AAC-A. GRCh37 (hg19) VCF-style: chr1-10434421-AAC-A.
Other names: c.4996_4997del, p.Gln1666fs (NM_001365952.1); c.4858_4859del, p.Gln1620fs (NM_015074.3); c.4858_4859delCA (NM_015074.3); short protein forms Q1620fs, Q1666fs.
Identifiers: ClinVar variation 3226520 (VCV003226520.1), dbSNP rs2521977530, ClinGen allele CA2825000841.
Genomic context (GRCh38, chr1:10,374,363, plus strand): 5'-CTCTATTTTAAAGGACCCCAGAAGCCAATTCCCGGGCCTCTAGTCCCTGCCCAGAATTTG[AAC>A]AGTTTCAGATTGTCCCAGCTGTGGAAACACCATATTTGGCCCGAGCAGGAAAAAACGAAT-3'

ClinVar aggregate classification (germline): Uncertain significance (1 of 4 stars; one submission).

Submission:

Ambry Genetics
Classification: Uncertain significance. Last evaluated: 2023-12-14. Review status: criteria provided, single submitter. Criteria: Ambry Variant Classification Scheme 2023. Collection method: clinical testing. Allele origin: germline.
Comment: The c.4858_4859delCA variant, located in coding exon 43 of the KIF1B gene, results from a deletion of two nucleotides at nucleotide positions 4858 to 4859, causing a translational frameshift with a predicted alternate stop codon (p.Q1620Vfs*28). This alteration is expected to result in loss of function by premature protein truncation or nonsense-mediated mRNA decay. The evidence for this gene-disease relationship is limited; therefore, the clinical significance of this alteration is unclear.